The following is an entry in ClinVar:

NM_005618.4(DLL1):c.1192T>C (p.Ser398Pro)

Gene: DLL1 (delta like canonical Notch ligand 1; minus strand). Cytogenetic location: 6q27.
Variant type: single nucleotide variant.
Coding change: c.1192T>C on transcript NM_005618.4 (MANE Select); coding-DNA position 1192, T replaced by C.
Protein change: p.Ser398Pro; replaces serine 398 with proline.
Molecular consequence: missense variant.
Genome position (GRCh38, 1-based): chr6:170,284,976, A>G on the plus strand (T>C on the coding strand, the complement: DLL1 is on the minus strand). VCF-style: chr6-170284976-A-G. GRCh37 (hg19) VCF-style: chr6-170594064-A-G.
Other names: short protein forms S398P.
Identifiers: ClinVar variation 2134776 (VCV002134776.4), dbSNP rs2483350329, ClinGen allele CA366507823.

ClinVar aggregate classification (germline): Uncertain significance (1 of 4 stars; one submission).

Submission:

Labcorp Genetics (formerly Invitae), Labcorp
Classification: Uncertain significance. Last evaluated: 2022-05-09. Review status: criteria provided, single submitter. Criteria: Invitae Variant Classification Sherloc (09022015). Collection method: clinical testing. Allele origin: germline.
Comment: This sequence change replaces serine, which is neutral and polar, with proline, which is neutral and non-polar, at codon 398 of the DLL1 protein (p.Ser398Pro). This variant is not present in population databases (gnomAD no frequency). This variant has not been reported in the literature in individuals affected with DLL1-related conditions. Algorithms developed to predict the effect of missense changes on protein structure and function are either unavailable or do not agree on the potential impact of this missense change (SIFT: "Deleterious"; PolyPhen-2: "Possibly Damaging"; Align-GVGD: "Class C0"). In summary, the available evidence is currently insufficient to determine the role of this variant in disease. Therefore, it has been classified as a Variant of Uncertain Significance.